The following is an entry in ClinVar:

NM_001037132.4(NRCAM):c.3454G>T (p.Glu1152Ter)

Gene: NRCAM (neuronal cell adhesion molecule; minus strand). Cytogenetic location: 7q31.1.
Variant type: single nucleotide variant.
Coding change: c.3454G>T on transcript NM_001037132.4 (MANE Select); coding-DNA position 3454, G replaced by T.
Protein change: p.Glu1152Ter; replaces glutamic acid 1152 with a stop codon.
Molecular consequence: nonsense. On other transcripts: non-coding transcript variant (2), intron variant (54).
Genome position (GRCh38, 1-based): chr7:108,166,933, C>A on the plus strand (G>T on the coding strand, the complement: NRCAM is on the minus strand). VCF-style: chr7-108166933-C-A. GRCh37 (hg19) VCF-style: chr7-107807378-C-A.
Other names: c.3406G>T, p.Glu1136Ter (NM_001371119.1); c.3397G>T, p.Glu1133Ter (NM_001371124.1, NM_001371126.1, NM_001371172.1); c.3454G>T, p.Glu1152Ter (NM_001371131.1); c.3292G>T, p.Glu1098Ter (NM_001371138.1); c.3109G>T, p.Glu1037Ter (NM_001371143.1, NM_001371164.1); c.3361G>T, p.Glu1121Ter (NM_001371146.1); c.3463G>T, p.Glu1155Ter (NM_001371156.1); c.3271G>T, p.Glu1091Ter (NM_001371158.1); and 25 more; short protein forms E1152*, E1037*, E1091*, E1098*, E1121*, E1155*, E1133*, E1136*.
Identifiers: ClinVar variation 4711890 (VCV004711890.1).

ClinVar aggregate classification (germline): Pathogenic (1 of 4 stars; one submission).

Submission:

Labcorp Genetics (formerly Invitae), Labcorp
Classification: Pathogenic. Last evaluated: 2025-02-07. Review status: criteria provided, single submitter. Criteria: Invitae Variant Classification Sherloc (09022015). Collection method: clinical testing. Allele origin: germline.
Comment: This sequence change creates a premature translational stop signal (p.Glu1152*) in the NRCAM gene. It is expected to result in an absent or disrupted protein product. Loss-of-function variants in NRCAM are known to be pathogenic (PMID: 35108495). This variant is not present in population databases (gnomAD no frequency). This variant has not been reported in the literature in individuals affected with NRCAM-related conditions. Algorithms developed to predict the effect of sequence changes on RNA splicing suggest that this variant may disrupt the consensus splice site. For these reasons, this variant has been classified as Pathogenic.

Literature cited by the submitters: PubMed 35108495.